The following is an entry in ClinVar:

NM_015466.4(PTPN23):c.1651G>T (p.Ala551Ser)

Gene: PTPN23 (protein tyrosine phosphatase non-receptor type 23; plus strand). Cytogenetic location: 3p21.31.
Variant type: single nucleotide variant.
Coding change: c.1651G>T on transcript NM_015466.4 (MANE Select); coding-DNA position 1651, G replaced by T.
Protein change: p.Ala551Ser; replaces alanine 551 with serine.
Molecular consequence: missense variant.
Genome position (GRCh38, 1-based): chr3:47,409,171, G>T. VCF-style: chr3-47409171-G-T. GRCh37 (hg19) VCF-style: chr3-47450661-G-T.
Other names: c.1273G>T, p.Ala425Ser (NM_001304482.2); short protein forms A425S, A551S.
Identifiers: ClinVar variation 2122208 (VCV002122208.3), dbSNP rs2546247174, ClinGen allele CA352554547.

ClinVar aggregate classification (germline): Uncertain significance (1 of 4 stars; one submission).

Submission:

Labcorp Genetics (formerly Invitae), Labcorp
Classification: Uncertain significance. Last evaluated: 2025-11-05. Review status: criteria provided, single submitter. Criteria: Invitae Variant Classification Sherloc (09022015). Collection method: clinical testing. Allele origin: germline.
Comment: This sequence change replaces alanine, which is neutral and non-polar, with serine, which is neutral and polar, at codon 551 of the PTPN23 protein (p.Ala551Ser). This variant is not present in population databases (gnomAD no frequency). This variant has not been reported in the literature in individuals affected with PTPN23-related conditions. ClinVar contains an entry for this variant (Variation ID: 2122208). Experimental studies and prediction algorithms are not available or were not evaluated, and the functional significance of this variant is currently unknown. In summary, the available evidence is currently insufficient to determine the role of this variant in disease. Therefore, it has been classified as a Variant of Uncertain Significance.